The following is an entry in ClinVar:

ClinVar aggregate classification (germline): Uncertain significance (0 of 4 stars; one submission).

Conditions:
PLXNA1-related disorder. Also called: PLXNA1-related condition.

Allele frequency attached by ClinVar (database versions not stated): TOPMed 0.00002; gnomAD 0.00004.
gnomAD v4.1: 23 of 1,574,580 alleles (0.0015%); highest among the groups gnomAD compares: Admixed American, 0.012%; no homozygotes.

Submission:

PreventionGenetics, part of Exact Sciences
Classification: Uncertain significance for PLXNA1-related condition. Last evaluated: 2024-05-08. Review status: no assertion criteria provided. Collection method: clinical testing. Allele origin: germline.
Comment: The PLXNA1 c.103G>A variant is predicted to result in the amino acid substitution p.Gly35Arg. To our knowledge, this variant has not been reported in the literature. This variant is reported in 0.012% of alleles in individuals of Latino descent in gnomAD. At this time, the clinical significance of this variant is uncertain due to the absence of conclusive functional and genetic evidence.

NM_032242.4(PLXNA1):c.103G>A (p.Gly35Arg)

Gene: PLXNA1 (plexin A1; plus strand). Cytogenetic location: 3q21.3.
Variant type: single nucleotide variant.
Coding change: c.103G>A on transcript NM_032242.4 (MANE Select); coding-DNA position 103, G replaced by A.
Protein change: p.Gly35Arg; replaces glycine 35 with arginine.
Molecular consequence: missense variant.
Genome position (GRCh38, 1-based): chr3:126,988,696, G>A. VCF-style: chr3-126988696-G-A. GRCh37 (hg19) VCF-style: chr3-126707539-G-A.
Other names: short protein forms G35R.
Identifiers: ClinVar variation 2635894 (VCV002635894.3), dbSNP rs747274300, ClinGen allele CA2592900.
Genomic context (GRCh38, chr3:126,988,696, plus strand): 5'-CTGCTGTTGCTGCTGCTGCTGCCGGGCATGTGGGCTGAGGCAGGCTTGCCCAGGGCAGGC[G>A]GGGGTTCACAGCCCCCCTTCCGCACCTTCTCGGCCAGCGACTGGGGCCTCACCCACCTAG-3'
Protein context (NP_115618.3, residues 25-45): WAEAGLPRAG[Gly35Arg]GSQPPFRTFS